The following is an entry in ClinVar:

NM_001367479.1(DNAH14):c.9817C>T (p.Arg3273Cys)

Gene: DNAH14 (dynein axonemal heavy chain 14; plus strand). Cytogenetic location: 1q42.12.
Variant type: single nucleotide variant.
Coding change: c.9817C>T on transcript NM_001367479.1 (MANE Select); coding-DNA position 9817, C replaced by T.
Protein change: p.Arg3273Cys; replaces arginine 3273 with cysteine.
Molecular consequence: missense variant.
Genome position (GRCh38, 1-based): chr1:225,331,530, C>T. VCF-style: chr1-225331530-C-T. GRCh37 (hg19) VCF-style: chr1-225519232-C-T.
Other names: NM_001373.1:c.9538C>T; short protein forms R3273C.
Identifiers: ClinVar variation 3391789 (VCV003391789.1).

ClinVar aggregate classification (germline): Uncertain significance (1 of 4 stars; one submission).

gnomAD v4.1: 15 of 1,551,286 alleles (0.00097%); highest among the groups gnomAD compares: Admixed American, 0.0039%; no homozygotes.

Submission:

GeneDx
Classification: Uncertain significance. Last evaluated: 2024-06-21. Review status: criteria provided, single submitter. Criteria: GeneDx Variant Classification Process June 2021. Collection method: clinical testing. Allele origin: germline. Affected: yes.
Comment: In silico analysis supports that this missense variant has a deleterious effect on protein structure/function; In silico analysis is inconclusive as to whether the variant alters gene splicing. In the absence of RNA/functional studies, the actual effect of this sequence change is unknown.; Has not been previously published as pathogenic or benign to our knowledge